The following is an entry in ClinVar:

ClinVar aggregate classification (germline): Uncertain significance (1 of 4 stars; one submission).

gnomAD v4.1: 9 of 1,613,126 alleles (0.00056%); highest among the groups gnomAD compares: African/African-American, 0.0053%; no homozygotes.

Submission:

Labcorp Genetics (formerly Invitae), Labcorp
Classification: Uncertain significance. Last evaluated: 2024-12-04. Review status: criteria provided, single submitter. Criteria: Invitae Variant Classification Sherloc (09022015). Collection method: clinical testing. Allele origin: germline.
Comment: This sequence change falls in intron 21 of the MACF1 gene. It does not directly change the encoded amino acid sequence of the MACF1 protein. It affects a nucleotide within the consensus splice site. The frequency data for this variant in the population databases is considered unreliable, as metrics indicate poor data quality at this position in the gnomAD database. This variant has not been reported in the literature in individuals affected with MACF1-related conditions. Variants that disrupt the consensus splice site are a relatively common cause of aberrant splicing (PMID: 17576681, 9536098). Algorithms developed to predict the effect of sequence changes on RNA splicing suggest that this variant is not likely to affect RNA splicing. In summary, the available evidence is currently insufficient to determine the role of this variant in disease. Therefore, it has been classified as a Variant of Uncertain Significance.

Literature cited by the submitters: PubMed 17576681; PubMed 9536098.

NM_001394062.1(MACF1):c.2634+6G>A

Gene: MACF1 (microtubule actin crosslinking factor 1; plus strand). Cytogenetic location: 1p34.3.
Variant type: single nucleotide variant.
Coding change: c.2634+6G>A on transcript NM_001394062.1 (MANE Select); 6 bases into the intron after coding-DNA position 2634, G replaced by A.
Molecular consequence: intron variant.
Genome position (GRCh38, 1-based): chr1:39,300,368, G>A. VCF-style: chr1-39300368-G-A. GRCh37 (hg19) VCF-style: chr1-39766040-G-A.
Other names: c.2649+6G>A (NM_012090.5).
Identifiers: ClinVar variation 3709222 (VCV003709222.2).